The following is an entry in ClinVar:

NM_001040105.2(MUC17):c.1353C>T (p.Ser451=)

Gene: MUC17 (mucin 17, cell surface associated; plus strand). Cytogenetic location: 7q22.1.
Variant type: single nucleotide variant.
Coding change: c.1353C>T on transcript NM_001040105.2 (MANE Select); coding-DNA position 1353, C replaced by T.
Protein change: p.Ser451=; no amino-acid change (serine 451 retained).
Molecular consequence: synonymous variant. On other transcripts: non-coding transcript variant (1).
Genome position (GRCh38, 1-based): chr7:101,032,769, C>T. VCF-style: chr7-101032769-C-T. GRCh37 (hg19) VCF-style: chr7-100676050-C-T.
Identifiers: ClinVar variation 4873434 (VCV004873434.2).

ClinVar aggregate classification (germline): Likely benign (1 of 4 stars; one submission).

gnomAD v4.1: 1 of 1,614,102 alleles (0.000062%); highest among the groups gnomAD compares: Non-Finnish European, 0.000085%; no homozygotes.

Submission:

CeGaT Center for Human Genetics Tuebingen
Classification: Likely benign. Last evaluated: 2026-05-01. Review status: criteria provided, single submitter. Criteria: CeGaT Center For Human Genetics Tuebingen Variant Classification Criteria Version 2. Collection method: clinical testing. Allele origin: germline. Affected: yes. Observed: 1 variant allele.
Comment: MUC17: BP4, BP7